The following is an entry in ClinVar:

NM_001005242.3(PKP2):c.2370C>G (p.Asn790Lys)

Gene: PKP2 (plakophilin 2; minus strand). Cytogenetic location: 12p11.21.
Variant type: single nucleotide variant.
Coding change: c.2370C>G on transcript NM_001005242.3 (MANE Select); coding-DNA position 2370, C replaced by G.
Protein change: p.Asn790Lys; replaces asparagine 790 with lysine.
Molecular consequence: missense variant.
Genome position (GRCh38, 1-based): chr12:32,792,719, G>C on the plus strand (C>G on the coding strand, the complement: PKP2 is on the minus strand). VCF-style: chr12-32792719-G-C. GRCh37 (hg19) VCF-style: chr12-32945653-G-C.
Other names: c.2502C>G, p.Asn834Lys (NM_004572.4); short protein forms N834K, N790K.
Identifiers: ClinVar variation 533038 (VCV000533038.6), dbSNP rs775519219, ClinGen allele CA035666.
Genomic context (GRCh38, chr12:32,792,719, plus strand): 5'-ATGCAGTTCCGTGTGTGCCCACAGAGAATACAGAAGGACGGAAGCAGCTTTACTTGCTTT[G>C]TTGGAGGCATAGCTGAAAAGAAAAGGACATTCTGAGATCAGGGAGAATGAGTGAGGCTTC-3'
Protein context (NP_001005242.2, residues 780-800): AISAGDAYAS[Asn790Lys]KASKAASVLL

ClinVar aggregate classification (germline): Uncertain significance (1 of 4 stars; one submission).

Conditions:
Arrhythmogenic right ventricular dysplasia 9 (ARVD9). Also called: Arrhythmogenic Right Ventricular Dysplasia/Cardiomyopathy 9; ARRHYTHMOGENIC RIGHT VENTRICULAR DYSPLASIA, FAMILIAL, 9. Identifiers: MedGen C1836906, MONDO:0012180, OMIM 609040.

Allele frequency attached by ClinVar (database versions not stated): ExAC 0.00001.
gnomAD v4.1: 2 of 1,613,830 alleles (0.00012%); highest among the groups gnomAD compares: Non-Finnish European, 0.00017%; no homozygotes.

Submission:

Labcorp Genetics (formerly Invitae), Labcorp
Classification: Uncertain significance for Arrhythmogenic right ventricular dysplasia 9. Last evaluated: 2021-08-28. Review status: criteria provided, single submitter. Criteria: Invitae Variant Classification Sherloc (09022015). Collection method: clinical testing. Allele origin: germline.
Comment: This sequence change replaces asparagine with lysine at codon 834 of the PKP2 protein (p.Asn834Lys). The asparagine residue is moderately conserved and there is a moderate physicochemical difference between asparagine and lysine. This variant is present in population databases (rs775519219, ExAC 0.001%). This variant has not been reported in the literature in individuals affected with PKP2-related conditions. Algorithms developed to predict the effect of missense changes on protein structure and function (SIFT, PolyPhen-2, Align-GVGD) all suggest that this variant is likely to be tolerated. In summary, the available evidence is currently insufficient to determine the role of this variant in disease. Therefore, it has been classified as a Variant of Uncertain Significance.